The following is an entry in ClinVar:

ClinVar aggregate classification (germline): Uncertain significance (1 of 4 stars; one submission).

Submission:

GeneDx
Classification: Uncertain significance. Last evaluated: 2019-06-04. Review status: criteria provided, single submitter. Criteria: GeneDx Variant Classification Process June 2021. Collection method: clinical testing. Allele origin: germline. Affected: yes.
Comment: Not observed in large population cohorts (Lek et al., 2016); In silico analysis, which includes protein predictors and evolutionary conservation, supports a deleterious effect; Has not been previously published as pathogenic or benign to our knowledge

NM_004172.5(SLC1A3):c.410T>C (p.Ile137Thr)

Genes: SLC1A3 (solute carrier family 1 member 3; plus strand), SLC1A3-AS1 (SLC1A3 antisense RNA 1; minus strand). Cytogenetic location: 5p13.2.
Variant type: single nucleotide variant.
Coding change: c.410T>C on transcript NM_004172.5 (MANE Select); coding-DNA position 410, T replaced by C.
Protein change: p.Ile137Thr; replaces isoleucine 137 with threonine.
Molecular consequence: missense variant.
Genome position (GRCh38, 1-based): chr5:36,671,119, T>C. VCF-style: chr5-36671119-T-C. GRCh37 (hg19) VCF-style: chr5-36671221-T-C.
Other names: c.410T>C, p.Ile137Thr (NM_001166695.3, NM_001289940.2); c.272T>C, p.Ile91Thr (NM_001289939.2); short protein forms I137T, I91T.
Identifiers: ClinVar variation 1305767 (VCV001305767.2), dbSNP rs2111929973, ClinGen allele CA359477420.